The following is an entry in ClinVar:

NM_000395.3(CSF2RB):c.1043C>G (p.Thr348Ser)

Gene: CSF2RB (colony stimulating factor 2 receptor subunit beta; plus strand). Cytogenetic location: 22q12.3.
Variant type: single nucleotide variant.
Coding change: c.1043C>G on transcript NM_000395.3 (MANE Select); coding-DNA position 1043, C replaced by G.
Protein change: p.Thr348Ser; replaces threonine 348 with serine.
Molecular consequence: missense variant.
Genome position (GRCh38, 1-based): chr22:36,932,795, C>G. VCF-style: chr22-36932795-C-G. GRCh37 (hg19) VCF-style: chr22-37328837-C-G.
Other names: short protein forms T348S.
Identifiers: ClinVar variation 1350332 (VCV001350332.4), dbSNP rs1045760421, ClinGen allele CA323996349.
Genomic context (GRCh38, chr22:36,932,795, plus strand): 5'-TGACTCTCCTGAAAGCTTCCCTCCCTCCAGTCCAGATGGCCCCTCCATCCCTCAACGTGA[C>G]CAAGGATGGAGACAGCTACAGCCTGCGCTGGGAAACAATGAAAATGCGATACGAACACAT-3'
Protein context (NP_000386.1, residues 338-358): IQMAPPSLNV[Thr348Ser]KDGDSYSLRW

ClinVar aggregate classification (germline): Uncertain significance (1 of 4 stars; one submission).

Allele frequency attached by ClinVar (database versions not stated): TOPMed 0.00002.
gnomAD v4.1: 7 of 1,613,856 alleles (0.00043%); highest among the groups gnomAD compares: African/African-American, 0.0027%; no homozygotes.

Submission:

Labcorp Genetics (formerly Invitae), Labcorp
Classification: Uncertain significance. Last evaluated: 2022-08-23. Review status: criteria provided, single submitter. Criteria: Invitae Variant Classification Sherloc (09022015). Collection method: clinical testing. Allele origin: germline.
Comment: Algorithms developed to predict the effect of missense changes on protein structure and function output the following: SIFT: "Tolerated"; PolyPhen-2: "Benign"; Align-GVGD: "Class C0". The serine amino acid residue is found in multiple mammalian species, which suggests that this missense change does not adversely affect protein function. In summary, the available evidence is currently insufficient to determine the role of this variant in disease. Therefore, it has been classified as a Variant of Uncertain Significance. Algorithms developed to predict the effect of sequence changes on RNA splicing suggest that this variant may create or strengthen a splice site. ClinVar contains an entry for this variant (Variation ID: 1350332). This variant has not been reported in the literature in individuals affected with CSF2RB-related conditions. This variant is not present in population databases (gnomAD no frequency). This sequence change replaces threonine, which is neutral and polar, with serine, which is neutral and polar, at codon 348 of the CSF2RB protein (p.Thr348Ser).